The following is an entry in ClinVar:

NM_000206.3(IL2RG):c.758-2A>G

Gene: IL2RG (interleukin 2 receptor subunit gamma; minus strand). Cytogenetic location: Xq13.1.
Variant type: single nucleotide variant.
Coding change: c.758-2A>G on transcript NM_000206.3 (MANE Select); the canonical splice acceptor site of the intron before coding-DNA position 758, A replaced by G.
Molecular consequence: splice acceptor variant.
Genome position (GRCh38, 1-based): chrX:71,108,697, T>C on the plus strand (A>G on the coding strand, the complement: IL2RG is on the minus strand). VCF-style: chrX-71108697-T-C. GRCh37 (hg19) VCF-style: chrX-70328547-T-C.
Identifiers: ClinVar variation 1075157 (VCV001075157.12), dbSNP rs2147747509, ClinGen allele CA413628840.
Genomic context (GRCh38, chrX:71,108,697, plus strand): 5'-CAATCCCATGGAGCCAACAGAGATAACCACGGCTTCCAATGCAAACAGGAAAGGATTCTC[T>C]ATAGAAAAAAGAAAAGCAAAGTGGACCTTATATTTGTTGTGCCCCTACTACATGCCAGGC-3'

ClinVar aggregate classification (germline): Pathogenic/Likely pathogenic. Review status: criteria provided, multiple submitters, no conflicts (2 of 4 stars). 3 submissions from 3 submitters: Pathogenic (2); Likely pathogenic (1). Last evaluated 2025-03-22.

Conditions:
X-linked severe combined immunodeficiency (SCIDX1). Also called: X-Linked Combined Immunodeficiency Diseases; IMMUNODEFICIENCY 4; SCID, X-LINKED; SEVERE COMBINED IMMUNODEFICIENCY, X-LINKED, T CELL-NEGATIVE, B CELL-POSITIVE, NK CELL-NEGATIVE; T-B+ severe combined immunodeficiency due to gamma chain deficiency. Identifiers: Orphanet 276, MedGen C6022468, MONDO:0010315, OMIM 300400. Disease mechanism: loss of function.

Submissions (3):

Natera, Inc.
Classification: Pathogenic for X-linked severe combined immunodeficiency. Last evaluated: 2025-03-22. Review status: criteria provided, single submitter. Criteria: Natera Variant Classification Schema (03/2026). Collection method: clinical testing. Allele origin: germline.
Comment: The c.758-2A>G variant in IL2RG is a canonical splice acceptor site variant predicted to affect pre-mRNA splicing, which may result in an abnormal transcript and altered protein product. This variant is expected to result in nonsense mediated decay, truncation, or a dysfunctional protein product. This variant is rare in the general population with a frequency below the threshold expected for the associated phenotype(s). Another variant at this same site results in an alteration predicted to cause a similar molecular effect has been observed in individual(s) with the associated phenotype. Given the available evidence, this variant is classified as Pathogenic.

Women's Health and Genetics/Laboratory Corporation of America, LabCorp
Classification: Likely pathogenic for X-linked severe combined immunodeficiency. Last evaluated: 2022-02-22. Review status: criteria provided, single submitter. Criteria: LabCorp Variant Classification Summary - May 2015. Collection method: clinical testing. Allele origin: germline.
Comment: Variant summary: IL2RG c.758-2A>G is located in a canonical splice-site and is predicted to affect mRNA splicing resulting in a significantly altered protein due to either exon skipping, shortening, or inclusion of intronic material. Several computational tools predict a significant impact on normal splicing: Four predict the variant abolishes a 3 acceptor site. However, these predictions have yet to be confirmed by functional studies. The variant was absent in 144980 control chromosomes (gnomAD). c.758-2A>G has been reported in the literature in at least one individual affected with X-Linked Severe Combined Immunodeficiency (van Oers_2021). These data indicate that the variant is very likely to be associated with disease. To our knowledge, no experimental evidence demonstrating an impact on protein function has been reported. One ClinVar submitter (evaluation after 2014) cites the variant as pathogenic. Based on the evidence outlined above, the variant was classified as likely pathogenic.

Labcorp Genetics (formerly Invitae), Labcorp
Classification: Pathogenic for X-linked severe combined immunodeficiency. Last evaluated: 2020-10-03. Review status: criteria provided, single submitter. Criteria: Invitae Variant Classification Sherloc (09022015). Collection method: clinical testing. Allele origin: germline.
Comment: For these reasons, this variant has been classified as Pathogenic. Donor and acceptor splice site variants typically lead to a loss of protein function (PMID: 16199547), and loss-of-function variants in IL2RG are known to be pathogenic (PMID: 9058718, 10794430). Algorithms developed to predict the effect of sequence changes on RNA splicing suggest that this variant may disrupt the consensus splice site, but this prediction has not been confirmed by published transcriptional studies. Disruption of this splice site has been observed in individual(s) with severe combined immunodeficiency (SCID) (PMID: 10794430, Invitae). This variant is not present in population databases (ExAC no frequency). This sequence change affects an acceptor splice site in intron 5 of the IL2RG gene. It is expected to disrupt RNA splicing and likely results in an absent or disrupted protein product.

Literature cited by the submitters: PubMed 33412294 (cited by Women's Health and Genetics/Laboratory Corporation of America, LabCorp); PubMed 16199547 (cited by Labcorp Genetics (formerly Invitae), Labcorp); PubMed 9058718 (cited by Labcorp Genetics (formerly Invitae), Labcorp); PubMed 10794430 (cited by Labcorp Genetics (formerly Invitae), Labcorp).